The following is an entry in ClinVar:

ClinVar aggregate classification (germline): Uncertain significance (1 of 4 stars; one submission).

Allele frequency attached by ClinVar (database versions not stated): gnomAD exomes below 0.00001.
gnomAD v4.1: 2 of 1,614,008 alleles (0.00012%); highest among the groups gnomAD compares: Non-Finnish European, 0.00017%; no homozygotes.

Submission:

Labcorp Genetics (formerly Invitae), Labcorp
Classification: Uncertain significance. Last evaluated: 2022-11-01. Review status: criteria provided, single submitter. Criteria: Invitae Variant Classification Sherloc (09022015). Collection method: clinical testing. Allele origin: germline.
Comment: In summary, the available evidence is currently insufficient to determine the role of this variant in disease. Therefore, it has been classified as a Variant of Uncertain Significance. Advanced modeling of protein sequence and biophysical properties (such as structural, functional, and spatial information, amino acid conservation, physicochemical variation, residue mobility, and thermodynamic stability) performed at Invitae indicates that this missense variant is not expected to disrupt SZT2 protein function. ClinVar contains an entry for this variant (Variation ID: 1062628). This variant has not been reported in the literature in individuals affected with SZT2-related conditions. This variant is not present in population databases (gnomAD no frequency). This sequence change replaces proline, which is neutral and non-polar, with serine, which is neutral and polar, at codon 135 of the SZT2 protein (p.Pro135Ser).

NM_001365999.1(SZT2):c.403C>T (p.Pro135Ser)

Gene: SZT2 (SZT2 subunit of KICSTOR complex; plus strand). Cytogenetic location: 1p34.2.
Variant type: single nucleotide variant.
Coding change: c.403C>T on transcript NM_001365999.1 (MANE Select); coding-DNA position 403, C replaced by T.
Protein change: p.Pro135Ser; replaces proline 135 with serine.
Molecular consequence: missense variant.
Genome position (GRCh38, 1-based): chr1:43,404,455, C>T. VCF-style: chr1-43404455-C-T. GRCh37 (hg19) VCF-style: chr1-43870126-C-T.
Other names: c.403C>T, p.Pro135Ser (NM_015284.4); short protein forms P135S.
Identifiers: ClinVar variation 1062628 (VCV001062628.9), dbSNP rs984347505, ClinGen allele CA21621647.